The following is an entry in ClinVar:

NM_016356.5(DCDC2):c.588G>A (p.Glu196=)

Gene: DCDC2 (doublecortin domain containing 2; minus strand). Cytogenetic location: 6p22.3.
Variant type: single nucleotide variant.
Coding change: c.588G>A on transcript NM_016356.5 (MANE Select); coding-DNA position 588, G replaced by A.
Protein change: p.Glu196=; no amino-acid change (glutamic acid 196 retained).
Molecular consequence: synonymous variant.
Genome position (GRCh38, 1-based): chr6:24,291,048, C>T on the plus strand (G>A on the coding strand, the complement: DCDC2 is on the minus strand). VCF-style: chr6-24291048-C-T. GRCh37 (hg19) VCF-style: chr6-24291276-C-T.
Other names: c.588G>A, p.Glu196= (NM_001195610.2).
Identifiers: ClinVar variation 5000950 (VCV005000950.1).

ClinVar aggregate classification (germline): Likely benign (1 of 4 stars; one submission).

Conditions:
DCDC2-related disorder. Also called: DCDC2-related condition.

gnomAD v4.1: 1 of 1,613,574 alleles (0.000062%); highest among the groups gnomAD compares: Admixed American, 0.0017%; no homozygotes.

Submission:

PreventionGenetics, part of Exact Sciences
Classification: Likely benign for DCDC2-related condition. Last evaluated: 2025-04-14. Review status: criteria provided, single submitter. Criteria: ACMG Guidelines, 2015. Collection method: clinical testing. Allele origin: germline.
Comment: This variant is classified as likely benign based on ACMG/AMP sequence variant interpretation guidelines (Richards et al. 2015 PMID: 25741868, with internal and published modifications).